The following is an entry in ClinVar:

ClinVar aggregate classification (germline): Uncertain significance (1 of 4 stars; one submission).

Conditions:
Familial meningioma. Also called: Meningioma, familial, susceptibility to. Identifiers: Orphanet 263662, MedGen C3551915, MONDO:0011789, OMIM 607174.

Submission:

Labcorp Genetics (formerly Invitae), Labcorp
Classification: Uncertain significance for Familial meningioma. Last evaluated: 2023-08-18. Review status: criteria provided, single submitter. Criteria: Invitae Variant Classification Sherloc (09022015). Collection method: clinical testing. Allele origin: germline.
Comment: In summary, the available evidence is currently insufficient to determine the role of this variant in disease. Therefore, it has been classified as a Variant of Uncertain Significance. Advanced modeling of protein sequence and biophysical properties (such as structural, functional, and spatial information, amino acid conservation, physicochemical variation, residue mobility, and thermodynamic stability) performed at Invitae indicates that this missense variant is not expected to disrupt SMARCE1 protein function. This variant has not been reported in the literature in individuals affected with SMARCE1-related conditions. This variant is not present in population databases (gnomAD no frequency). This sequence change replaces alanine, which is neutral and non-polar, with valine, which is neutral and non-polar, at codon 307 of the SMARCE1 protein (p.Ala307Val).

NM_003079.5(SMARCE1):c.920C>T (p.Ala307Val)

Gene: SMARCE1 (SWI/SNF related BAF chromatin remodeling complex subunit E1; minus strand). Cytogenetic location: 17q21.2.
Variant type: single nucleotide variant.
Coding change: c.920C>T on transcript NM_003079.5 (MANE Select); coding-DNA position 920, C replaced by T.
Protein change: p.Ala307Val; replaces alanine 307 with valine.
Molecular consequence: missense variant.
Genome position (GRCh38, 1-based): chr17:40,630,821, G>A on the plus strand (C>T on the coding strand, the complement: SMARCE1 is on the minus strand). VCF-style: chr17-40630821-G-A. GRCh37 (hg19) VCF-style: chr17-38787073-G-A.
Other names: short protein forms A307V.
Identifiers: ClinVar variation 2904074 (VCV002904074.3), dbSNP rs2143984899, ClinGen allele CA399363633.